The following is an entry in ClinVar:

ClinVar aggregate classification (germline): Conflicting classifications of pathogenicity. Review status: criteria provided, conflicting classifications (1 of 4 stars). 2 submissions from 2 submitters: Pathogenic (1); Uncertain significance (1). Last evaluated 2024-04-05.

Conditions:
Autosomal recessive limb-girdle muscular dystrophy type 2U. Also called: MUSCULAR DYSTROPHY, LIMB-GIRDLE, TYPE 2U; Muscular dystrophy-dystroglycanopathy (limb-girdle), type c, 7. Identifiers: Orphanet 352479, MedGen C5190987, MONDO:0014474, OMIM 616052.
Muscular dystrophy-dystroglycanopathy (congenital with brain and eye anomalies), type A, 7. Also called: WALKER-WARBURG SYNDROME OR MUSCLE-EYE-BRAIN DISEASE, ISPD-RELATED; Congenital muscular dystrophy-dystroglycanopathy with brain and eye anomalies, type A7. Identifiers: Orphanet 899, MedGen C3553330, MONDO:0013835, OMIM 614643.

Allele frequency attached by ClinVar (database versions not stated): gnomAD exomes below 0.00001; gnomAD 0.00001; TOPMed 0.00001.
gnomAD v4.1: 6 of 1,587,048 alleles (0.00038%); highest among the groups gnomAD compares: African/African-American, 0.0013%; no homozygotes.

Submissions (2):

Labcorp Genetics (formerly Invitae), Labcorp
Classification: Pathogenic for Muscular dystrophy-dystroglycanopathy (congenital with brain and eye anomalies), type A, 7; Autosomal recessive limb-girdle muscular dystrophy type 2U. Last evaluated: 2024-04-05. Review status: criteria provided, single submitter. Criteria: Invitae Variant Classification Sherloc (09022015). Collection method: clinical testing. Allele origin: germline.
Comment: This sequence change replaces tyrosine, which is neutral and polar, with cysteine, which is neutral and slightly polar, at codon 226 of the ISPD protein (p.Tyr226Cys). This variant is present in population databases (no rsID available, gnomAD 0.007%). This missense change has been observed in individual(s) with limb-girdle muscular dystrophy (PMID: 23288328). In at least one individual the data is consistent with being in trans (on the opposite chromosome) from a pathogenic variant. ClinVar contains an entry for this variant (Variation ID: 502660). Advanced modeling of protein sequence and biophysical properties (such as structural, functional, and spatial information, amino acid conservation, physicochemical variation, residue mobility, and thermodynamic stability) performed at Invitae indicates that this missense variant is expected to disrupt ISPD protein function with a positive predictive value of 80%. This variant disrupts the p.Tyr226 amino acid residue in ISPD. Other variant(s) that disrupt this residue have been determined to be pathogenic (PMID: 23217329, 26404900). This suggests that this residue is clinically significant, and that variants that disrupt this residue are likely to be disease-causing. For these reasons, this variant has been classified as Pathogenic.

Eurofins Ntd Llc (ga)
Classification: Uncertain significance. Last evaluated: 2017-06-20. Review status: criteria provided, single submitter. Criteria: EGL Classification Definitions 2015. Collection method: clinical testing. Allele origin: germline. Observed: 1 variant allele, 1 heterozygote.

Literature cited by the submitters: PubMed 23288328 (cited by Labcorp Genetics (formerly Invitae), Labcorp); PubMed 23217329 (cited by Labcorp Genetics (formerly Invitae), Labcorp); PubMed 26404900 (cited by Labcorp Genetics (formerly Invitae), Labcorp).

NM_001101426.4(CRPPA):c.677A>G (p.Tyr226Cys)

Gene: CRPPA (CDP-L-ribitol pyrophosphorylase A; minus strand). Cytogenetic location: 7p21.2.
Variant type: single nucleotide variant.
Coding change: c.677A>G on transcript NM_001101426.4 (MANE Select); coding-DNA position 677, A replaced by G.
Protein change: p.Tyr226Cys; replaces tyrosine 226 with cysteine.
Molecular consequence: missense variant. On other transcripts: non-coding transcript variant (1), intron variant (1).
Genome position (GRCh38, 1-based): chr7:16,376,099, T>C on the plus strand (A>G on the coding strand, the complement: CRPPA is on the minus strand). VCF-style: chr7-16376099-T-C. GRCh37 (hg19) VCF-style: chr7-16415724-T-C.
Other names: c.677A>G, p.Tyr226Cys (NM_001368197.1); c.534+29962A>G (NM_001101417.4); short protein forms Y226C.
Identifiers: ClinVar variation 502660 (VCV000502660.8), dbSNP rs1289931198, ClinGen allele CA367001895.